The following is an entry in ClinVar:

ClinVar aggregate classification (germline): Uncertain significance (1 of 4 stars; one submission).

Conditions:
BAP1-related tumor predisposition syndrome (TPDS1). Also called: TUMOR PREDISPOSITION SYNDROME 1; BAP1 tumor predisposition syndrome; Tumor susceptibility linked to germline BAP1 mutations; COMMON Syndrome. Identifiers: Orphanet 289539, MedGen C3280492, MONDO:0013692, OMIM 614327.

Submission:

Labcorp Genetics (formerly Invitae), Labcorp
Classification: Uncertain significance for BAP1-related tumor predisposition syndrome. Last evaluated: 2021-11-12. Review status: criteria provided, single submitter. Criteria: Invitae Variant Classification Sherloc (09022015). Collection method: clinical testing. Allele origin: germline.
Comment: In summary, the available evidence is currently insufficient to determine the role of this variant in disease. Therefore, it has been classified as a Variant of Uncertain Significance. Algorithms developed to predict the effect of missense changes on protein structure and function (SIFT, PolyPhen-2, Align-GVGD) all suggest that this variant is likely to be tolerated. This variant has not been reported in the literature in individuals affected with BAP1-related conditions. This variant is not present in population databases (gnomAD no frequency). This sequence change replaces arginine, which is basic and polar, with serine, which is neutral and polar, at codon 617 of the BAP1 protein (p.Arg617Ser).

NM_004656.4(BAP1):c.1851G>T (p.Arg617Ser)

Gene: BAP1 (BRCA1 associated deubiquitinase 1; minus strand). Cytogenetic location: 3p21.1.
Variant type: single nucleotide variant.
Coding change: c.1851G>T on transcript NM_004656.4 (MANE Select); coding-DNA position 1851, G replaced by T.
Protein change: p.Arg617Ser; replaces arginine 617 with serine.
Molecular consequence: missense variant.
Genome position (GRCh38, 1-based): chr3:52,403,177, C>A on the plus strand (G>T on the coding strand, the complement: BAP1 is on the minus strand). VCF-style: chr3-52403177-C-A. GRCh37 (hg19) VCF-style: chr3-52437193-C-A.
Other names: short protein forms R617S.
Identifiers: ClinVar variation 1392831 (VCV001392831.6), dbSNP rs2153226454, ClinGen allele CA353098180.